The following is an entry in ClinVar:

ClinVar aggregate classification (germline): Uncertain significance. Review status: criteria provided, multiple submitters, no conflicts (2 of 4 stars). 2 submissions from 2 submitters: Uncertain significance (2). Last evaluated 2022-02-05.

Conditions:
Congenital sideroblastic anemia-B-cell immunodeficiency-periodic fever-developmental delay syndrome. Also called: Sideroblastic anemia with B-cell immunodeficiency, periodic fevers, and developmental delay. Identifiers: Orphanet 369861, MedGen C4015172, MONDO:0014487, OMIM 616084.
Retinitis pigmentosa and erythrocytic microcytosis (RPEM). Identifiers: MONDO:0014850, OMIM 616959, MedGen C4310776.

Allele frequency attached by ClinVar (database versions not stated): gnomAD exomes 0.00001.
gnomAD v4.1: 8 of 1,613,942 alleles (0.0005%); highest among the groups gnomAD compares: Non-Finnish European, 0.00068%; no homozygotes.

Submissions (2):

Labcorp Genetics (formerly Invitae), Labcorp
Classification: Uncertain significance for Congenital sideroblastic anemia-B-cell immunodeficiency-periodic fever-developmental delay syndrome. Last evaluated: 2022-02-05. Review status: criteria provided, single submitter. Criteria: Invitae Variant Classification Sherloc (09022015). Collection method: clinical testing. Allele origin: germline.
Comment: This sequence change replaces leucine, which is neutral and non-polar, with valine, which is neutral and non-polar, at codon 309 of the TRNT1 protein (p.Leu309Val). This variant is not present in population databases (gnomAD no frequency). This variant has not been reported in the literature in individuals affected with TRNT1-related conditions. ClinVar contains an entry for this variant (Variation ID: 663557). Algorithms developed to predict the effect of missense changes on protein structure and function (SIFT, PolyPhen-2, Align-GVGD) all suggest that this variant is likely to be tolerated. In summary, the available evidence is currently insufficient to determine the role of this variant in disease. Therefore, it has been classified as a Variant of Uncertain Significance.

Fulgent Genetics
Classification: Uncertain significance for Congenital sideroblastic anemia-B-cell immunodeficiency-periodic fever-developmental delay syndrome; Retinitis pigmentosa and erythrocytic microcytosis. Last evaluated: 2021-09-13. Review status: criteria provided, single submitter. Criteria: ACMG Guidelines, 2015. Collection method: clinical testing. Allele origin: unknown.

NM_182916.3(TRNT1):c.925T>G (p.Leu309Val)

Gene: TRNT1 (tRNA nucleotidyl transferase 1; plus strand). Cytogenetic location: 3p26.2.
Variant type: single nucleotide variant.
Coding change: c.925T>G on transcript NM_182916.3 (MANE Select); coding-DNA position 925, T replaced by G.
Protein change: p.Leu309Val; replaces leucine 309 with valine.
Molecular consequence: missense variant. On other transcripts: non-coding transcript variant (8).
Genome position (GRCh38, 1-based): chr3:3,147,572, T>G. VCF-style: chr3-3147572-T-G. GRCh37 (hg19) VCF-style: chr3-3189256-T-G.
Other names: c.925T>G, p.Leu309Val (LRG_1314t1, NM_001367321.1, NM_001367322.1 and 1 more transcripts); c.865T>G, p.Leu289Val (NM_001302946.2); short protein forms L289V, L309V.
Identifiers: ClinVar variation 663557 (VCV000663557.4), dbSNP rs985101465, ClinGen allele CA68734880.
Genomic context (GRCh38, chr3:3,147,572, plus strand): 5'-TCACCAAAGCCAGTGACTCTTTTGGCCTCATTATTCAAAGTACAAGATGATGTCACAAAA[T>G]TGGATTTGAGGTTGAAGATCGCAAAAGAGGAGAAAAACCTTGGCTTATTTATAGTTAAAA-3'
Protein context (NP_886552.3, residues 299-319): LFKVQDDVTK[Leu309Val]DLRLKIAKEE